The following is an entry in ClinVar:

NM_030930.4(UNC93B1):c.1640C>T (p.Ser547Leu)

Gene: UNC93B1 (unc-93B1 regulator of TLR signaling; minus strand). Cytogenetic location: 11q13.2.
Variant type: single nucleotide variant.
Coding change: c.1640C>T on transcript NM_030930.4 (MANE Select); coding-DNA position 1640, C replaced by T.
Protein change: p.Ser547Leu; replaces serine 547 with leucine.
Molecular consequence: missense variant.
Genome position (GRCh38, 1-based): chr11:67,991,700, G>A on the plus strand (C>T on the coding strand, the complement: UNC93B1 is on the minus strand). VCF-style: chr11-67991700-G-A. GRCh37 (hg19) VCF-style: chr11-67759171-G-A.
Other names: short protein forms S547L.
Identifiers: ClinVar variation 842740 (VCV000842740.8), dbSNP rs1856845594, ClinGen allele CA381567207.

ClinVar aggregate classification (germline): Uncertain significance (1 of 4 stars; one submission).

Conditions:
Encephalopathy, acute, infection-induced (herpes-specific), susceptibility to, 1. Also called: Herpes simplex encephalitis, susceptibility to, 1. Identifiers: Orphanet 1930, MedGen C2750180, MONDO:0024563, OMIM 610551.

Allele frequency attached by ClinVar (database versions not stated): gnomAD exomes below 0.00001.
gnomAD v4.1: 2 of 1,533,790 alleles (0.00013%); highest among the groups gnomAD compares: Non-Finnish European, 0.00017%; no homozygotes.

Submission:

Labcorp Genetics (formerly Invitae), Labcorp
Classification: Uncertain significance for Encephalopathy, acute, infection-induced (herpes-specific), susceptibility to, 1. Last evaluated: 2019-12-13. Review status: criteria provided, single submitter. Criteria: Invitae Variant Classification Sherloc (09022015). Collection method: clinical testing. Allele origin: germline.
Comment: In summary, the available evidence is currently insufficient to determine the role of this variant in disease. Therefore, it has been classified as a Variant of Uncertain Significance. Experimental studies and prediction algorithms are not available or were not evaluated, and the functional significance of this variant is currently unknown. This variant has not been reported in the literature in individuals with UNC93B1-related conditions. The frequency data for this variant in the population databases is considered unreliable, as metrics indicate insufficient coverage at this position in the ExAC database. This sequence change replaces serine with leucine at codon 547 of the UNC93B1 protein (p.Ser547Leu). The serine residue is highly conserved and there is a large physicochemical difference between serine and leucine.